The following is an entry in ClinVar:

ClinVar aggregate classification (germline): Conflicting classifications of pathogenicity. Review status: criteria provided, conflicting classifications (1 of 4 stars). 2 submissions from 2 submitters: Likely pathogenic (1); Uncertain significance (1). Last evaluated 2025-06-19.

Conditions:
Morquio syndrome. Also called: Mucopolysaccharidosis, Type IV; MPS IV; Mucopolysaccharidosis type 4; Eccentrochondrodysplasia. Identifiers: Orphanet 582, MedGen C0026707, MONDO:0018938.
Mucopolysaccharidosis, MPS-IV-A (MPS4A). Also called: Mucopolysaccharidosis type IV A; Mucopolysaccharidosis Type IVA; Morquio syndrome A, mild; MORQUIO SYNDROME A; MPS IVA; mucopolysaccharidosis type 4A. Identifiers: Orphanet 309297, Orphanet 582, MedGen C0086651, MONDO:0009659, OMIM 253000.

Allele frequency attached by ClinVar (database versions not stated): gnomAD exomes below 0.00001.
gnomAD v4.1: 1 of 1,542,300 alleles (0.000065%); highest among the groups gnomAD compares: African/African-American, 0.0014%; no homozygotes.

Submissions (2):

Women's Health and Genetics/Laboratory Corporation of America, LabCorp
Classification: Likely pathogenic for Morquio syndrome. Last evaluated: 2025-06-19. Review status: criteria provided, single submitter. Criteria: LabCorp Variant Classification Summary - May 2015. Collection method: clinical testing. Allele origin: germline.
Comment: Variant summary: GALNS c.94A>G (p.Asn32Asp) results in a conservative amino acid change in the encoded protein sequence. Algorithms developed to predict the effect of missense changes on protein structure and function are either unavailable or do not agree on the potential impact of this missense change. The variant allele was found at a frequency of 6.5e-07 in 1542300 control chromosomes. c.94A>G has been observed in multiple presumed compound heterozygous individual(s) affected with Mucopolysaccharidosis Type IVA (Morquio Syndrome A)(example, Yi_2022). These data indicate that the variant is likely to be associated with disease. To our knowledge, no experimental evidence demonstrating an impact on protein function has been reported. The following publications have been ascertained in the context of this evaluation (PMID: 35212421, 24120057, 34387910). ClinVar contains an entry for this variant (Variation ID: 1048254). Based on the evidence outlined above, the variant was classified as likely pathogenic.

Laboratory of Diagnosis and Therapy of Lysosomal Disorders, University of Padova
Classification: Uncertain significance for Mucopolysaccharidosis, MPS-IV-A. Last evaluated: 2021-02-01. Review status: criteria provided, single submitter. Criteria: ACMG Guidelines, 2015. Collection method: curation. Allele origin: germline. Affected: yes.
Comment: Absent from gnomAD v2.1.1 (PM2_moderate); multiple lines of computational evidence support a deleterious effect on the gene (PP3_supporting)

Literature cited by the submitters: PubMed 34387910 (cited by Women's Health and Genetics/Laboratory Corporation of America, LabCorp and Laboratory of Diagnosis and Therapy of Lysosomal Disorders, University of Padova); PubMed 35212421 (cited by Women's Health and Genetics/Laboratory Corporation of America, LabCorp); PubMed 24120057 (cited by Women's Health and Genetics/Laboratory Corporation of America, LabCorp and Laboratory of Diagnosis and Therapy of Lysosomal Disorders, University of Padova).

NM_000512.5(GALNS):c.94A>G (p.Asn32Asp)

Genes: GALNS (galactosamine (N-acetyl)-6-sulfatase; minus strand), TRAPPC2L (trafficking protein particle complex subunit 2L; plus strand), LOC130059762 (ATAC-STARR-seq lymphoblastoid silent region 7883; plus strand). Cytogenetic location: 16q24.3.
Variant type: single nucleotide variant.
Coding change: c.94A>G on transcript NM_000512.5 (MANE Select); coding-DNA position 94, A replaced by G.
Protein change: p.Asn32Asp; replaces asparagine 32 with aspartic acid.
Molecular consequence: missense variant. On other transcripts: 5 prime UTR variant (2).
Genome position (GRCh38, 1-based): chr16:88,856,784, T>C on the plus strand (A>G on the coding strand, the complement: GALNS is on the minus strand). VCF-style: chr16-88856784-T-C. GRCh37 (hg19) VCF-style: chr16-88923192-T-C.
Other names: c.-338A>G (NM_001323543.2); c.-59A>G (NM_001323544.2); short protein forms N32D.
Identifiers: ClinVar variation 1048254 (VCV001048254.4), dbSNP rs2143013538, ClinGen allele CA397101139.
Genomic context (GRCh38, chr16:88,856,784, plus strand): 5'-CCCGGCCCTGCCCCGTCCCACCGCCCGCACTCACGTCGTCCATGAGCAGGAGCAGGATGT[T>C]GGGGGGCTGCGGGGCGCCCGAGGCCCCCATCCCCGCGGCGCTGAGCACCAGCAACAGCTG-3'
Protein context (NP_000503.1, residues 22-42): MGASGAPQPP[Asn32Asp]ILLLLMDDMG